The following is an entry in ClinVar:

ClinVar aggregate classification (germline): Uncertain significance (1 of 4 stars; one submission).

Conditions:
Hereditary cancer-predisposing syndrome. Also called: Tumor predisposition; Hereditary Cancer Syndrome; Neoplastic Syndromes, Hereditary; Hereditary neoplastic syndrome. Identifiers: Orphanet 140162, MedGen C0027672, MeSH D009386, MONDO:0015356.

gnomAD v4.1: 1 of 1,529,430 alleles (0.000065%); no homozygotes.

Submission:

Ambry Genetics
Classification: Uncertain significance for Hereditary cancer-predisposing syndrome. Last evaluated: 2021-07-01. Review status: criteria provided, single submitter. Criteria: Ambry Variant Classification Scheme 2023. Collection method: clinical testing. Allele origin: germline.
Comment: The p.M937T variant (also known as c.2810T>C), located in coding exon 21 of the POLD1 gene, results from a T to C substitution at nucleotide position 2810. The methionine at codon 937 is replaced by threonine, an amino acid with similar properties. This amino acid position is conserved. In addition, this alteration is predicted to be tolerated by in silico analysis. Since supporting evidence is limited at this time, the clinical significance of this alteration remains unclear.

NM_002691.4(POLD1):c.2810T>C (p.Met937Thr)

Gene: POLD1 (DNA polymerase delta 1, catalytic subunit; plus strand). Cytogenetic location: 19q13.33.
Variant type: single nucleotide variant.
Coding change: c.2810T>C on transcript NM_002691.4 (MANE Select); coding-DNA position 2810, T replaced by C.
Protein change: p.Met937Thr; replaces methionine 937 with threonine.
Molecular consequence: missense variant.
Genome position (GRCh38, 1-based): chr19:50,415,816, T>C. VCF-style: chr19-50415816-T-C. GRCh37 (hg19) VCF-style: chr19-50919073-T-C.
Other names: c.2810T>C, p.Met937Thr (NM_001256849.1); c.2888T>C, p.Met963Thr (NM_001308632.1); short protein forms M963T, M937T.
Identifiers: ClinVar variation 1796329 (VCV001796329.2), dbSNP rs1011628932, ClinGen allele CA406986096.